The following is an entry in ClinVar:

NM_001365536.1(SCN9A):c.2158A>C (p.Lys720Gln)

Genes: SCN9A (sodium voltage-gated channel alpha subunit 9; minus strand), SCN1A-AS1 (SCN1A and SCN9A antisense RNA 1; plus strand). Cytogenetic location: 2q24.3.
Variant type: single nucleotide variant.
Coding change: c.2158A>C on transcript NM_001365536.1 (MANE Select); coding-DNA position 2158, A replaced by C.
Protein change: p.Lys720Gln; replaces lysine 720 with glutamine.
Molecular consequence: missense variant.
Genome position (GRCh38, 1-based): chr2:166,280,542, T>G on the plus strand (A>C on the coding strand, the complement: SCN9A is on the minus strand). VCF-style: chr2-166280542-T-G. GRCh37 (hg19) VCF-style: chr2-167137052-T-G.
Other names: c.2125A>C, p.Lys709Gln (NM_002977.4); short protein forms K709Q, K720Q.
Identifiers: ClinVar variation 847145 (VCV000847145.12), dbSNP rs1281170744, ClinGen allele CA349079839.

ClinVar aggregate classification (germline): Uncertain significance. Review status: criteria provided, multiple submitters, no conflicts (2 of 4 stars). 2 submissions from 2 submitters: Uncertain significance (2). Last evaluated 2023-10-03.

Conditions:
Neuropathy, hereditary sensory and autonomic, type 2A (HSAN2A). Also called: HSAN IIA; ACROOSTEOLYSIS, GIACCAI TYPE; ACROOSTEOLYSIS, NEUROGENIC; MORVAN DISEASE; NEUROPATHY, CONGENITAL SENSORY; NEUROPATHY, HEREDITARY SENSORY RADICULAR, AUTOSOMAL RECESSIVE. Identifiers: Orphanet 970, MedGen C2752089, MONDO:0024309, OMIM 201300.
Generalized epilepsy with febrile seizures plus, type 7 (GEFSP7). Also called: GEFS+, TYPE 7. Identifiers: Orphanet 36387, MedGen C2751778, MONDO:0013470, OMIM 613863.
Inborn genetic diseases. Identifiers: MedGen C0950123, MeSH D030342.

Allele frequency attached by ClinVar (database versions not stated): gnomAD exomes below 0.00001.
gnomAD v4.1: 2 of 1,592,248 alleles (0.00013%); highest among the groups gnomAD compares: Non-Finnish European, 0.00017%; no homozygotes.

Submissions (2):

Labcorp Genetics (formerly Invitae), Labcorp
Classification: Uncertain significance for Neuropathy, hereditary sensory and autonomic, type 2A; Generalized epilepsy with febrile seizures plus, type 7. Last evaluated: 2023-10-03. Review status: criteria provided, single submitter. Criteria: Invitae Variant Classification Sherloc (09022015). Collection method: clinical testing. Allele origin: germline.
Comment: This sequence change replaces lysine, which is basic and polar, with glutamine, which is neutral and polar, at codon 709 of the SCN9A protein (p.Lys709Gln). The frequency data for this variant in the population databases is considered unreliable, as metrics indicate poor data quality at this position in the gnomAD database. This variant has not been reported in the literature in individuals affected with SCN9A-related conditions. ClinVar contains an entry for this variant (Variation ID: 847145). Advanced modeling of protein sequence and biophysical properties (such as structural, functional, and spatial information, amino acid conservation, physicochemical variation, residue mobility, and thermodynamic stability) performed at Invitae indicates that this missense variant is not expected to disrupt SCN9A protein function. In summary, the available evidence is currently insufficient to determine the role of this variant in disease. Therefore, it has been classified as a Variant of Uncertain Significance.

Ambry Genetics
Classification: Uncertain significance for Inborn genetic diseases. Last evaluated: 2020-10-22. Review status: criteria provided, single submitter. Criteria: Ambry Variant Classification Scheme 2023. Collection method: clinical testing. Allele origin: germline.
Comment: The p.K709Q variant (also known as c.2125A>C), located in coding exon 13 of the SCN9A gene, results from an A to C substitution at nucleotide position 2125. The lysine at codon 709 is replaced by glutamine, an amino acid with similar properties. This amino acid position is poorly conserved in available vertebrate species. In addition, the in silico prediction for this alteration is inconclusive. Since supporting evidence is limited at this time, the clinical significance of this alteration remains unclear.